The following is an entry in ClinVar:

NM_002900.3(RBP3):c.3109G>A (p.Val1037Met)

Gene: RBP3 (retinol binding protein 3; plus strand). Cytogenetic location: 10q11.22.
Variant type: single nucleotide variant.
Coding change: c.3109G>A on transcript NM_002900.3 (MANE Select); coding-DNA position 3109, G replaced by A.
Protein change: p.Val1037Met; replaces valine 1037 with methionine.
Molecular consequence: missense variant.
Genome position (GRCh38, 1-based): chr10:47,353,379, G>A. VCF-style: chr10-47353379-G-A. GRCh37 (hg19) VCF-style: chr10-48385983-C-T.
Other names: short protein forms V1037M.
Identifiers: ClinVar variation 1351048 (VCV001351048.9), dbSNP rs151292277, ClinGen allele CA5487131.

ClinVar aggregate classification (germline): Uncertain significance. Review status: criteria provided, multiple submitters, no conflicts (2 of 4 stars). 2 submissions from 2 submitters: Uncertain significance (2). Last evaluated 2025-03-18.

Allele frequency attached by ClinVar (database versions not stated): ExAC 0.00002; gnomAD 0.00002; gnomAD exomes 0.00002; TOPMed 0.00002; ESP Exome Variant Server 0.00008.
gnomAD v4.1: 31 of 1,614,084 alleles (0.0019%); highest among the groups gnomAD compares: Admixed American, 0.0067%; no homozygotes.

Submissions (2):

Labcorp Genetics (formerly Invitae), Labcorp
Classification: Uncertain significance. Last evaluated: 2025-03-18. Review status: criteria provided, single submitter. Criteria: Invitae Variant Classification Sherloc (09022015). Collection method: clinical testing. Allele origin: germline.
Comment: This sequence change replaces valine, which is neutral and non-polar, with methionine, which is neutral and non-polar, at codon 1037 of the RBP3 protein (p.Val1037Met). This variant is present in population databases (rs151292277, gnomAD 0.006%). This variant has not been reported in the literature in individuals affected with RBP3-related conditions. ClinVar contains an entry for this variant (Variation ID: 1351048). Invitae Evidence Modeling of protein sequence and biophysical properties (such as structural, functional, and spatial information, amino acid conservation, physicochemical variation, residue mobility, and thermodynamic stability) indicates that this missense variant is not expected to disrupt RBP3 protein function with a negative predictive value of 80%. In summary, the available evidence is currently insufficient to determine the role of this variant in disease. Therefore, it has been classified as a Variant of Uncertain Significance.

Blueprint Genetics
Classification: Uncertain significance. Last evaluated: 2020-08-07. Review status: criteria provided, single submitter. Criteria: ACMG Guidelines, 2015. Collection method: clinical testing. Allele origin: germline.